The following is an entry in ClinVar:

ClinVar aggregate classification (germline): Uncertain significance. Review status: criteria provided, multiple submitters, no conflicts (2 of 4 stars). 2 submissions from 2 submitters: Uncertain significance (2). Last evaluated 2024-08-19.

Conditions:
Inborn genetic diseases. Identifiers: MedGen C0950123, MeSH D030342.
Congenital factor V deficiency. Also called: LABILE FACTOR DEFICIENCY; OWREN PARAHEMOPHILIA; PARAHEMOPHILIA; Hereditary factor V deficiency disease. Identifiers: Orphanet 326, MedGen C0015499, MONDO:0009210, OMIM 227400.

Allele frequency attached by ClinVar (database versions not stated): gnomAD 0.00003.
gnomAD v4.1: 182 of 1,613,964 alleles (0.011%); highest among the groups gnomAD compares: Non-Finnish European, 0.015%; no homozygotes.

Submissions (2):

Labcorp Genetics (formerly Invitae), Labcorp
Classification: Uncertain significance for Congenital factor V deficiency. Last evaluated: 2024-08-19. Review status: criteria provided, single submitter. Criteria: Invitae Variant Classification Sherloc (09022015). Collection method: clinical testing. Allele origin: germline.
Comment: This sequence change replaces proline, which is neutral and non-polar, with threonine, which is neutral and polar, at codon 794 of the F5 protein (p.Pro794Thr). The frequency data for this variant in the population databases is considered unreliable, as metrics indicate poor data quality at this position in the gnomAD database. This variant has not been reported in the literature in individuals affected with F5-related conditions. ClinVar contains an entry for this variant (Variation ID: 2219109). Invitae Evidence Modeling of protein sequence and biophysical properties (such as structural, functional, and spatial information, amino acid conservation, physicochemical variation, residue mobility, and thermodynamic stability) indicates that this missense variant is not expected to disrupt F5 protein function with a negative predictive value of 80%. In summary, the available evidence is currently insufficient to determine the role of this variant in disease. Therefore, it has been classified as a Variant of Uncertain Significance.

Ambry Genetics
Classification: Uncertain significance for Inborn genetic diseases. Last evaluated: 2023-10-31. Review status: criteria provided, single submitter. Criteria: Ambry Variant Classification Scheme 2023. Collection method: clinical testing. Allele origin: germline.
Comment: The p.P794T variant (also known as c.2380C>A), located in coding exon 13 of the F5 gene, results from a C to A substitution at nucleotide position 2380. The proline at codon 794 is replaced by threonine, an amino acid with highly similar properties. This amino acid position is conserved. In addition, this alteration is predicted to be tolerated by in silico analysis. Since supporting evidence is limited at this time, the clinical significance of this alteration remains unclear.

NM_000130.5(F5):c.2380C>A (p.Pro794Thr)

Gene: F5 (coagulation factor V; minus strand). Cytogenetic location: 1q24.2.
Variant type: single nucleotide variant.
Coding change: c.2380C>A on transcript NM_000130.5 (MANE Select); coding-DNA position 2380, C replaced by A.
Protein change: p.Pro794Thr; replaces proline 794 with threonine.
Molecular consequence: missense variant.
Genome position (GRCh38, 1-based): chr1:169,542,710, G>T on the plus strand (C>A on the coding strand, the complement: F5 is on the minus strand). VCF-style: chr1-169542710-G-T. GRCh37 (hg19) VCF-style: chr1-169511948-G-T.
Other names: short protein forms P794T.
Identifiers: ClinVar variation 2219109 (VCV002219109.3), dbSNP rs780727212, ClinGen allele CA1234097.